The following is an entry in ClinVar:

ClinVar aggregate classification (germline): Uncertain significance (1 of 4 stars; one submission).

Submission:

GeneDx
Classification: Uncertain significance. Last evaluated: 2026-03-19. Review status: criteria provided, single submitter. Criteria: GeneDx Variant Classification Process June 2021. Collection method: clinical testing. Allele origin: germline.
Comment: Not observed at significant frequency in large population cohorts (gnomAD); In silico analysis suggests that this missense variant does not alter protein structure/function; Has not been previously published as pathogenic or benign to our knowledge

NM_003482.4(KMT2D):c.11976G>C (p.Gln3992His)

Gene: KMT2D (lysine methyltransferase 2D; minus strand). Cytogenetic location: 12q13.12.
Variant type: single nucleotide variant.
Coding change: c.11976G>C on transcript NM_003482.4 (MANE Select); coding-DNA position 11976, G replaced by C.
Protein change: p.Gln3992His; replaces glutamine 3992 with histidine.
Molecular consequence: missense variant.
Genome position (GRCh38, 1-based): chr12:49,032,729, C>G on the plus strand (G>C on the coding strand, the complement: KMT2D is on the minus strand). VCF-style: chr12-49032729-C-G. GRCh37 (hg19) VCF-style: chr12-49426512-C-G.
Other names: short protein forms Q3992H.
Identifiers: ClinVar variation 5009462 (VCV005009462.1).